The following is an entry in ClinVar:

ClinVar aggregate classification (germline): Uncertain significance. Review status: criteria provided, multiple submitters, no conflicts (2 of 4 stars). 2 submissions from 2 submitters: Uncertain significance (2). Last evaluated 2025-10-02.

Allele frequency attached by ClinVar (database versions not stated): ESP Exome Variant Server 0.00016.
gnomAD v4.1: 64 of 1,599,298 alleles (0.004%); highest among the groups gnomAD compares: African/African-American, 0.017%; no homozygotes.

Submissions (2):

Labcorp Genetics (formerly Invitae), Labcorp
Classification: Uncertain significance. Last evaluated: 2025-10-02. Review status: criteria provided, single submitter. Criteria: Invitae Variant Classification Sherloc (09022015). Collection method: clinical testing. Allele origin: germline.
Comment: This sequence change replaces serine, which is neutral and polar, with leucine, which is neutral and non-polar, at codon 6 of the KIF22 protein (p.Ser6Leu). This variant is present in population databases (rs368873294, gnomAD 0.02%). This variant has not been reported in the literature in individuals affected with KIF22-related conditions. ClinVar contains an entry for this variant (Variation ID: 2201378). An algorithm developed to predict the effect of missense changes on protein structure and function outputs the following: PolyPhen-2: "Benign". The leucine amino acid residue is found in multiple mammalian species, which suggests that this missense change does not adversely affect protein function. In summary, the available evidence is currently insufficient to determine the role of this variant in disease. Therefore, it has been classified as a Variant of Uncertain Significance.

Ambry Genetics
Classification: Uncertain significance. Last evaluated: 2023-08-08. Review status: criteria provided, single submitter. Criteria: Ambry Variant Classification Scheme 2023. Collection method: clinical testing. Allele origin: germline.

NM_007317.3(KIF22):c.17C>T (p.Ser6Leu)

Gene: KIF22 (kinesin family member 22; plus strand). Cytogenetic location: 16p11.2.
Variant type: single nucleotide variant.
Coding change: c.17C>T on transcript NM_007317.3 (MANE Select); coding-DNA position 17, C replaced by T.
Protein change: p.Ser6Leu; replaces serine 6 with leucine.
Molecular consequence: missense variant. On other transcripts: 5 prime UTR variant (1).
Genome position (GRCh38, 1-based): chr16:29,790,776, C>T. VCF-style: chr16-29790776-C-T. GRCh37 (hg19) VCF-style: chr16-29802097-C-T.
Other names: c.-237C>T (NM_001256269.2); c.17C>T (NM_007317.1); short protein forms S6L.
Identifiers: ClinVar variation 2201378 (VCV002201378.6), dbSNP rs368873294, ClinGen allele CA7992853.